The following is an entry in ClinVar:

NM_152564.5(VPS13B):c.5438_5452del (p.Asp1813_Thr1817del)

Gene: VPS13B (vacuolar protein sorting 13 homolog B; plus strand). Cytogenetic location: 8q22.2.
Variant type: Deletion.
Coding change: c.5438_5452del on transcript NM_152564.5 (MANE Select); coding-DNA positions 5438 to 5452, 15 bases deleted (ACATATTTATTACTG).
Protein change: p.Asp1813_Thr1817del.
Molecular consequence: inframe deletion.
Genome position (GRCh38, 1-based): chr8:99,642,028-99,642,042, ACATATTTATTACTG deleted; deleting any 15 consecutive bases within chr8:99,642,026-99,642,042 gives the same sequence; the c. name uses the placement nearest the transcript's 3' end. VCF-style (leftmost placement, unchanged base first): chr8-99642025-TTGACATATTTATTAC-T. GRCh37 (hg19) VCF-style: chr8-100654253-TTGACATATTTATTAC-T.
Other names: c.5513_5527del, p.Asp1838_Thr1842del (NM_017890.5); c.5513_5527del (NM_017890.3).
Identifiers: ClinVar variation 374644 (VCV000374644.47), dbSNP rs1057519183, ClinGen allele CA16043829.
Genomic context (GRCh38, chr8:99,642,025, plus strand): 5'-ATCGCATTGCCCGTCCCTCACGCCAGTCATCAATTGTAAAAAATCTAAATTTTATTCCCT[TTGACATATTTATTAC>T]TGCAAGTAGAATCTCACTAATGACCTATTCCTGTATGGCCTTATCCAAATCGAAATCACA-3'

ClinVar aggregate classification (germline): Conflicting classifications of pathogenicity. Review status: criteria provided, conflicting classifications (1 of 4 stars). 5 submissions from 5 submitters: Likely pathogenic (2); Uncertain significance (3). Last evaluated 2025-10-30.

Conditions:
Cohen syndrome (COH1). Also called: Cutis verticis gyrata, retinitis pigmentosa, and sensorineural deafness; PEPPER SYNDROME. Identifiers: Orphanet 193, MedGen C0265223, MONDO:0008999, OMIM 216550.

Submissions (5):

Institute of Human Genetics, University of Leipzig Medical Center
Classification: Likely pathogenic for Cohen syndrome. Last evaluated: 2025-10-30. Review status: criteria provided, single submitter. Criteria: ACMG Guidelines, 2015. Collection method: clinical testing. Allele origin: paternal. Inheritance: Autosomal recessive inheritance. Affected: yes.
Comment: Criteria applied: PM2,PM3,PM4

Labcorp Genetics (formerly Invitae), Labcorp
Classification: Uncertain significance for Cohen syndrome. Last evaluated: 2025-06-03. Review status: criteria provided, single submitter. Criteria: Invitae Variant Classification Sherloc (09022015). Collection method: clinical testing. Allele origin: germline.
Comment: This variant, c.5513_5527del, results in the deletion of 5 amino acid(s) of the VPS13B protein (p.Asp1838_Thr1842del), but otherwise preserves the integrity of the reading frame. This variant is not present in population databases (gnomAD no frequency). This variant has not been reported in the literature in individuals affected with VPS13B-related conditions. ClinVar contains an entry for this variant (Variation ID: 374644). Experimental studies and prediction algorithms are not available or were not evaluated, and the functional significance of this variant is currently unknown. In summary, the available evidence is currently insufficient to determine the role of this variant in disease. Therefore, it has been classified as a Variant of Uncertain Significance.

GeneDx
Classification: Likely pathogenic. Last evaluated: 2025-05-15. Review status: criteria provided, single submitter. Criteria: GeneDx Variant Classification Process June 2021. Collection method: clinical testing. Allele origin: germline. Affected: yes.
Comment: Not observed at significant frequency in large population cohorts (gnomAD); In-frame deletion of 5 amino acid(s) in a non-repeat region; In silico analysis supports a deleterious effect on protein structure/function; Has not been previously published as pathogenic or benign to our knowledge; This variant is associated with the following publications: (PMID: 36268089)

Center for Genomics, Ann and Robert H. Lurie Children's Hospital of Chicago
Classification: Uncertain significance for Cohen syndrome. Last evaluated: 2021-04-28. Review status: criteria provided, single submitter. Criteria: ACMG Guidelines, 2015. Collection method: clinical testing. Allele origin: germline.
Comment: VPS13B NM_017890.4 exon 37 p.Asp1838_Thr1842del (c.5513_5527del): This variant has not been reported in the literature but is present in 0.002% (2/68030) of European alleles in the Genome Aggregation Database. This variant is present in ClinVar (Variation ID:374644). Evolutionary conservation and computational predictive tools for this variant are limited or unavailable. This variant represents an in-frame deletion of 5 amino acids at position 1838 and is not predicted to alter the reading frame. However, the effect of this variant on the protein is unclear. In summary, data on this variant is insufficient for disease classification. Therefore, the clinical significance of this variant is uncertain.

CeGaT Center for Human Genetics Tuebingen
Classification: Uncertain significance. Last evaluated: 2016-07-01. Review status: criteria provided, single submitter. Criteria: CeGaT Center For Human Genetics Tuebingen Variant Classification Criteria Version 2. Collection method: clinical testing. Allele origin: germline. Affected: yes. Observed: 1 variant allele.